The following is an entry in ClinVar:

NM_000081.4(LYST):c.5576C>T (p.Ser1859Phe)

Gene: LYST (lysosomal trafficking regulator; minus strand). Cytogenetic location: 1q42.3.
Variant type: single nucleotide variant.
Coding change: c.5576C>T on transcript NM_000081.4 (MANE Select); coding-DNA position 5576, C replaced by T.
Protein change: p.Ser1859Phe; replaces serine 1859 with phenylalanine.
Molecular consequence: missense variant.
Genome position (GRCh38, 1-based): chr1:235,774,971, G>A on the plus strand (C>T on the coding strand, the complement: LYST is on the minus strand). VCF-style: chr1-235774971-G-A. GRCh37 (hg19) VCF-style: chr1-235938271-G-A.
Other names: c.5576C>T, p.Ser1859Phe (NM_001301365.1); short protein forms S1859F.
Identifiers: ClinVar variation 3893463 (VCV003893463.2).
Genomic context (GRCh38, chr1:235,774,971, plus strand): 5'-ACCTTCAAAATGTAAAACCCAACAATGCATTTTTGTTTGATCAACACCTGATGAATCATA[G>A]AAAGTCCATTACAATTTTCTAATTCATGTACTCTTTGTTGGTTGTATTTAATTAATGAGA-3'
Protein context (NP_000072.2, residues 1849-1869): VHELENCNGL[Ser1859Phe]MIHQVLIKQK

ClinVar aggregate classification (germline): Uncertain significance. Review status: criteria provided, multiple submitters, no conflicts (2 of 4 stars). 2 submissions from 2 submitters: Uncertain significance (2). Last evaluated 2025-09-28.

Conditions:
Inborn genetic diseases. Identifiers: MedGen C0950123, MeSH D030342.

Submissions (2):

Ambry Genetics
Classification: Uncertain significance for Inborn genetic diseases. Last evaluated: 2025-09-28. Review status: criteria provided, single submitter. Criteria: Ambry Variant Classification Scheme 2023. Collection method: clinical testing. Allele origin: germline.

GeneDx
Classification: Uncertain significance. Last evaluated: 2024-10-23. Review status: criteria provided, single submitter. Criteria: GeneDx Variant Classification Process June 2021. Collection method: clinical testing. Allele origin: germline. Affected: yes.
Comment: Not observed at significant frequency in large population cohorts (gnomAD); In silico analysis supports that this missense variant has a deleterious effect on protein structure/function; Has not been previously published as pathogenic or benign to our knowledge